The following is an entry in ClinVar:

NM_001792.5(CDH2):c.172+6A>C

Gene: CDH2 (cadherin 2; minus strand). Cytogenetic location: 18q12.1.
Variant type: single nucleotide variant.
Coding change: c.172+6A>C on transcript NM_001792.5 (MANE Select); 6 bases into the intron after coding-DNA position 172, A replaced by C.
Molecular consequence: intron variant.
Genome position (GRCh38, 1-based): chr18:28,147,667, T>G on the plus strand (A>C on the coding strand, the complement: CDH2 is on the minus strand). VCF-style: chr18-28147667-T-G. GRCh37 (hg19) VCF-style: chr18-25727631-T-G.
Other names: p.?; c.172+6A>C (NM_001792.4, NM_001792.3).
Identifiers: ClinVar variation 1299948 (VCV001299948.15), dbSNP rs188251941, ClinGen allele CA8923821.

ClinVar aggregate classification (germline): Benign/Likely benign. Review status: criteria provided, multiple submitters, no conflicts (2 of 4 stars). 7 submissions from 7 submitters: Benign (2); Likely benign (2). 3 of the submissions do not count toward it. Last evaluated 2026-02-04.

Conditions:
CDH2-related disorder. Also called: CDH2-related condition.

Allele frequency attached by ClinVar (database versions not stated): ESP Exome Variant Server 0.00254; gnomAD 0.00257 and 0.00283; 1000 Genomes Project 0.00300; 1000 Genomes Project 30x 0.00312; TOPMed 0.00332.
gnomAD v4.1: 695 of 1,528,468 alleles (0.045%); highest among the groups gnomAD compares: African/African-American, 0.78%; 3 homozygotes.

Submissions (7):

Labcorp Genetics (formerly Invitae), Labcorp
Classification: Benign. Last evaluated: 2026-02-04. Review status: criteria provided, single submitter. Criteria: Invitae Variant Classification Sherloc (09022015). Collection method: clinical testing. Allele origin: germline.

Molecular Diagnostic Laboratory for Inherited Cardiovascular Disease, Montreal Heart Institute
Classification: Benign. Last evaluated: 2025-04-09. Review status: criteria provided, single submitter. Criteria: ACMG Guidelines, 2015. Collection method: clinical testing. Allele origin: germline. Affected: no.

Blueprint Genetics
Classification: Likely benign. Last evaluated: 2024-08-30. Review status: criteria provided, single submitter. Criteria: ACMG Guidelines, 2015. Collection method: clinical testing. Allele origin: germline.

Mayo Clinic Laboratories, Mayo Clinic
Classification: Likely benign. Last evaluated: 2024-03-11. Review status: criteria provided, single submitter. Criteria: ACMG Guidelines, 2015. Collection method: clinical testing. Allele origin: germline. Observed: 3 variant alleles.
Comment: BS1, BP4, BP7

PreventionGenetics, part of Exact Sciences
Classification: Likely benign for CDH2-related condition. Last evaluated: 2019-03-18. Review status: no assertion criteria provided. Collection method: clinical testing. Allele origin: germline. Not counted in ClinVar's aggregate classification.
Comment: This variant is classified as likely benign based on ACMG/AMP sequence variant interpretation guidelines (Richards et al. 2015 PMID: 25741868, with internal and published modifications).

Clinical Genetics DNA and cytogenetics Diagnostics Lab, Erasmus MC, Erasmus Medical Center
Classification: Likely benign. Review status: no assertion criteria provided. Collection method: clinical testing. Allele origin: germline. Affected: yes. Study: VKGL Data-share Consensus. Not counted in ClinVar's aggregate classification.

Clinical Genetics, Academic Medical Center
Classification: Benign. Review status: no assertion criteria provided. Collection method: clinical testing. Allele origin: germline. Affected: yes. Study: VKGL Data-share Consensus. Not counted in ClinVar's aggregate classification.